The following is an entry in ClinVar:

ClinVar aggregate classification (germline): Pathogenic (1 of 4 stars; one submission).

Submission:

Labcorp Genetics (formerly Invitae), Labcorp
Classification: Pathogenic. Last evaluated: 2022-10-04. Review status: criteria provided, single submitter. Criteria: Invitae Variant Classification Sherloc (09022015). Collection method: clinical testing. Allele origin: germline.
Comment: ClinVar contains an entry for this variant (Variation ID: 957459). This sequence change creates a premature translational stop signal (p.Ala72Glyfs*15) in the RDH5 gene. It is expected to result in an absent or disrupted protein product. Loss-of-function variants in RDH5 are known to be pathogenic (PMID: 11675386, 22815624). This variant is not present in population databases (gnomAD no frequency). This premature translational stop signal has been observed in individuals with autosomal recessive fundus albipunctatus (PMID: 11470705, 22559933). This variant is also known as Val71 g[gtgg-ins]. For these reasons, this variant has been classified as Pathogenic.

Literature cited by the submitters: PubMed 11675386; PubMed 22815624; PubMed 11470705; PubMed 22559933.

NM_002905.5(RDH5):c.211_214dup (p.Ala72fs)

Genes: BLOC1S1-RDH5 (BLOC1S1-RDH5 readthrough; plus strand), RDH5 (retinol dehydrogenase 5; plus strand). Cytogenetic location: 12q13.2.
Variant type: Duplication.
Coding change: c.211_214dup on transcript NM_002905.5 (MANE Select); coding-DNA positions 211 to 214, 4 bases duplicated (GTGG; older notation c.211_214dupGTGG).
Protein change: p.Ala72fs; shifts the reading frame from alanine 72.
Molecular consequence: frameshift variant.
Genome position (GRCh38, 1-based): chr12:55,721,395-55,721,398, GTGG duplicated; duplicating any 4 consecutive bases within chr12:55,721,393-55,721,398 gives the same sequence; the c. name uses the placement nearest the transcript's 3' end. VCF-style (leftmost placement, unchanged base first): chr12-55721392-C-CGGGT. GRCh37 (hg19) VCF-style: chr12-56115176-C-CGGGT.
Other names: c.211_214dup, p.Ala72fs (NM_001199771.3); short protein forms A72fs.
Identifiers: ClinVar variation 957459 (VCV000957459.9), dbSNP rs1876909996, ClinGen allele CA1139662734.